The following is an entry in ClinVar:

NM_003331.5(TYK2):c.3307A>G (p.Ser1103Gly)

Gene: TYK2 (tyrosine kinase 2; minus strand). Cytogenetic location: 19p13.2.
Variant type: single nucleotide variant.
Coding change: c.3307A>G on transcript NM_003331.5 (MANE Select); coding-DNA position 3307, A replaced by G.
Protein change: p.Ser1103Gly; replaces serine 1103 with glycine.
Molecular consequence: missense variant.
Genome position (GRCh38, 1-based): chr19:10,352,445, T>C on the plus strand (A>G on the coding strand, the complement: TYK2 is on the minus strand). VCF-style: chr19-10352445-T-C. GRCh37 (hg19) VCF-style: chr19-10463121-T-C.
Other names: short protein forms S1103G.
Identifiers: ClinVar variation 967971 (VCV000967971.7), dbSNP rs750525541, ClinGen allele CA9192773.

ClinVar aggregate classification (germline): Uncertain significance (1 of 4 stars; one submission).

Conditions:
Immunodeficiency 35 (IMD35). Also called: TYK2 DEFICIENCY; Susceptibility to infection due to TYK2 deficiency; HIES WITH ATYPICAL MYCOBACTERIOSIS, AUTOSOMAL RECESSIVE; HYPER-IgE SYNDROME WITH ATYPICAL MYCOBACTERIOSIS, AUTOSOMAL RECESSIVE. Identifiers: Orphanet 331226, MedGen C1969086, MONDO:0012682, OMIM 611521.

Allele frequency attached by ClinVar (database versions not stated): gnomAD exomes below 0.00001 and 0.00002; ExAC 0.00001; gnomAD 0.00001; TOPMed 0.00001.
gnomAD v4.1: 26 of 1,608,756 alleles (0.0016%); highest among the groups gnomAD compares: Middle Eastern, 0.066%; no homozygotes.

Submission:

Labcorp Genetics (formerly Invitae), Labcorp
Classification: Uncertain significance for Immunodeficiency 35. Last evaluated: 2023-11-28. Review status: criteria provided, single submitter. Criteria: Invitae Variant Classification Sherloc (09022015). Collection method: clinical testing. Allele origin: germline.
Comment: This sequence change replaces serine, which is neutral and polar, with glycine, which is neutral and non-polar, at codon 1103 of the TYK2 protein (p.Ser1103Gly). This variant is present in population databases (rs750525541, gnomAD 0.003%). This variant has not been reported in the literature in individuals affected with TYK2-related conditions. ClinVar contains an entry for this variant (Variation ID: 967971). Advanced modeling of protein sequence and biophysical properties (such as structural, functional, and spatial information, amino acid conservation, physicochemical variation, residue mobility, and thermodynamic stability) performed at Invitae indicates that this missense variant is expected to disrupt TYK2 protein function with a positive predictive value of 80%. In summary, the available evidence is currently insufficient to determine the role of this variant in disease. Therefore, it has been classified as a Variant of Uncertain Significance.